The following is an entry in ClinVar:

ClinVar aggregate classification (germline): Uncertain significance. Review status: criteria provided, multiple submitters, no conflicts (2 of 4 stars). 2 submissions from 2 submitters: Uncertain significance (2). Last evaluated 2026-05-26.

Conditions:
Hereditary cancer-predisposing syndrome. Also called: Hereditary Cancer Syndrome; Hereditary neoplastic syndrome; Neoplastic Syndromes, Hereditary; Tumor predisposition. Identifiers: Orphanet 140162, MedGen C0027672, MeSH D009386, MONDO:0015356.
Familial cancer of breast. Also called: hereditary breast carcinoma; BREAST CANCER, FAMILIAL; Hereditary breast cancer. Identifiers: Orphanet 227535, MedGen C0346153, MONDO:0016419, OMIM 114480. Disease mechanism: loss of function.

Submissions (2):

Ambry Genetics
Classification: Uncertain significance for Hereditary cancer-predisposing syndrome. Last evaluated: 2026-05-26. Review status: criteria provided, single submitter. Criteria: Ambry Variant Classification Scheme 2023. Collection method: clinical testing. Allele origin: germline.
Comment: The p.D347H variant (also known as c.1039G>C), located in coding exon 9 of the CHEK2 gene, results from a G to C substitution at nucleotide position 1039. The aspartic acid at codon 347 is replaced by histidine, an amino acid with similar properties. This amino acid position is highly conserved in available vertebrate species. In addition, this alteration is predicted to be deleterious by in silico analysis. Based on the available evidence, the clinical significance of this variant remains unclear.

Labcorp Genetics (formerly Invitae), Labcorp
Classification: Uncertain significance for Familial cancer of breast. Last evaluated: 2025-01-14. Review status: criteria provided, single submitter. Criteria: Invitae Variant Classification Sherloc (09022015). Collection method: clinical testing. Allele origin: germline.
Comment: This sequence change replaces aspartic acid, which is acidic and polar, with histidine, which is basic and polar, at codon 347 of the CHEK2 protein (p.Asp347His). This variant is not present in population databases (gnomAD no frequency). This variant has not been reported in the literature in individuals affected with CHEK2-related conditions. An algorithm developed to predict the effect of missense changes on protein structure and function (PolyPhen-2) suggests that this variant is likely to be disruptive. In summary, the available evidence is currently insufficient to determine the role of this variant in disease. Therefore, it has been classified as a Variant of Uncertain Significance.

NM_007194.4(CHEK2):c.1039G>C (p.Asp347His)

Gene: CHEK2 (checkpoint kinase 2; minus strand). Cytogenetic location: 22q12.1.
Variant type: single nucleotide variant.
Coding change: c.1039G>C on transcript NM_007194.4 (MANE Select); coding-DNA position 1039, G replaced by C.
Protein change: p.Asp347His; replaces aspartic acid 347 with histidine.
Molecular consequence: missense variant. On other transcripts: intron variant (3).
Genome position (GRCh38, 1-based): chr22:28,696,957, C>G on the plus strand (G>C on the coding strand, the complement: CHEK2 is on the minus strand). VCF-style: chr22-28696957-C-G. GRCh37 (hg19) VCF-style: chr22-29092945-C-G.
Other names: c.1039G>C (NM_007194.3); c.1168G>C, p.Asp390His (NM_001005735.3); c.376G>C, p.Asp126His (NM_001257387.3, NM_001437942.1); c.838G>C, p.Asp280His (NM_001349956.3); c.1132G>C, p.Asp378His (NM_001438293.1); c.1009-1084G>C (NM_145862.3); c.1102-1084G>C (NM_001438295.1); c.1138-1084G>C (NM_001438294.1); short protein forms D126H, D280H, D347H, D390H, D378H.
Identifiers: ClinVar variation 3728974 (VCV003728974.3).